The following is an entry in ClinVar:

ClinVar aggregate classification (germline): Uncertain significance (1 of 4 stars; one submission).

Conditions:
Familial adenomatous polyposis 1 (FAP1). Also called: FAMILIAL ADENOMATOUS POLYPOSIS 1, ATTENUATED; POLYPOSIS, ADENOMATOUS INTESTINAL. Identifiers: MedGen C2713442, MONDO:0021056, OMIM 175100. Disease mechanism: loss of function.

Submission:

Labcorp Genetics (formerly Invitae), Labcorp
Classification: Uncertain significance for Familial adenomatous polyposis 1. Last evaluated: 2019-11-13. Review status: criteria provided, single submitter. Criteria: Invitae Variant Classification Sherloc (09022015). Collection method: clinical testing. Allele origin: germline.
Comment: In summary, the available evidence is currently insufficient to determine the role of this variant in disease. Therefore, it has been classified as a Variant of Uncertain Significance. This sequence change replaces leucine with valine at codon 2488 of the APC protein (p.Leu2488Val). The leucine residue is highly conserved and there is a small physicochemical difference between leucine and valine. This variant is not present in population databases (ExAC no frequency). This variant has not been reported in the literature in individuals with APC-related conditions. Algorithms developed to predict the effect of missense changes on protein structure and function are either unavailable or do not agree on the potential impact of this missense change (SIFT: "Tolerated"; PolyPhen-2: "Probably Damaging"; Align-GVGD: "Class C0").

NM_000038.6(APC):c.7462C>G (p.Leu2488Val)

Gene: APC (APC regulator of Wnt signaling pathway; plus strand). Cytogenetic location: 5q22.2.
Variant type: single nucleotide variant.
Coding change: c.7462C>G on transcript NM_000038.6 (MANE Select); coding-DNA position 7462, C replaced by G.
Protein change: p.Leu2488Val; replaces leucine 2488 with valine.
Molecular consequence: missense variant.
Genome position (GRCh38, 1-based): chr5:112,843,056, C>G. VCF-style: chr5-112843056-C-G. GRCh37 (hg19) VCF-style: chr5-112178753-C-G.
Other names: c.7462C>G, p.Leu2488Val (NM_001127510.3, NM_001354895.2); c.7408C>G, p.Leu2470Val (NM_001127511.3); c.7516C>G, p.Leu2506Val (NM_001354896.2); c.7492C>G, p.Leu2498Val (NM_001354897.2); c.7387C>G, p.Leu2463Val (NM_001354898.2); c.7378C>G, p.Leu2460Val (NM_001354899.2); c.7339C>G, p.Leu2447Val (NM_001354900.2); c.7285C>G, p.Leu2429Val (NM_001354901.2); and 5 more; short protein forms L2362V, L2470V, L2488V, L2460V, L2205V, L2328V, L2387V, L2429V.
Identifiers: ClinVar variation 954237 (VCV000954237.11), dbSNP rs1580682902, ClinGen allele CA16037566.